The following is an entry in ClinVar:

NM_007217.4(PDCD10):c.467dup (p.Asn156fs)

Gene: PDCD10 (programmed cell death 10; minus strand). Cytogenetic location: 3q26.1.
Variant type: Duplication.
Coding change: c.467dup on transcript NM_007217.4 (MANE Select); coding-DNA position 467, one base duplicated (A; older notation c.467dupA).
Protein change: p.Asn156fs; shifts the reading frame from asparagine 156.
Molecular consequence: frameshift variant.
Genome position (GRCh38, 1-based): chr3:167,687,622, T duplicated on the plus strand (A on the coding strand, the reverse complement: PDCD10 is on the minus strand); the first of 2 consecutive T bases (chr3:167,687,622-167,687,623); duplicating either gives the same sequence. VCF-style (leftmost placement, unchanged base first): chr3-167687621-G-GT. GRCh37 (hg19) VCF-style: chr3-167405409-G-GT.
Other names: c.467dupA (NM_145860.1); c.467dup, p.Asn156fs (NM_145859.2, NM_145860.2); short protein forms N156fs.
Identifiers: ClinVar variation 280738 (VCV000280738.4), dbSNP rs886041888, ClinGen allele CA10602867.

ClinVar aggregate classification (germline): Pathogenic (1 of 4 stars; one submission).

Submission:

GeneDx
Classification: Pathogenic. Last evaluated: 2021-10-12. Review status: criteria provided, single submitter. Criteria: GeneDx Variant Classification Process June 2021. Collection method: clinical testing. Allele origin: germline. Affected: yes.
Comment: Frameshift variant predicted to result in protein truncation or nonsense mediated decay in a gene for which loss-of-function is a known mechanism of disease; Not observed at significant frequency in large population cohorts (Lek et al., 2016); Has not been previously published as pathogenic or benign to our knowledge